The following is an entry in ClinVar:

NM_000059.4(BRCA2):c.9262G>A (p.Ala3088Thr)

Gene: BRCA2 (BRCA2 DNA repair associated; plus strand). Cytogenetic location: 13q13.1.
Variant type: single nucleotide variant.
Coding change: c.9262G>A on transcript NM_000059.4 (MANE Select); coding-DNA position 9262, G replaced by A.
Protein change: p.Ala3088Thr; replaces alanine 3088 with threonine.
Molecular consequence: missense variant.
Genome position (GRCh38, 1-based): chr13:32,394,694, G>A. VCF-style: chr13-32394694-G-A. GRCh37 (hg19) VCF-style: chr13-32968831-G-A.
Other names: p.A3088T:GCC>ACC; short protein forms A3088T.
Identifiers: ClinVar variation 182260 (VCV000182260.4), dbSNP rs730881569, ClinGen allele CA026072.

ClinVar aggregate classification (germline): Uncertain significance (1 of 4 stars; one submission).

Submission:

GeneDx
Classification: Uncertain significance. Last evaluated: 2019-04-30. Review status: criteria provided, single submitter. Criteria: GeneDx Variant Classification Process June 2021. Collection method: clinical testing. Allele origin: germline. Affected: yes.
Comment: Not observed in large population cohorts (Lek et al., 2016); Has not been previously published as pathogenic or benign to our knowledge